The following is an entry in ClinVar:

NM_001018113.3(FANCB):c.1251A>C (p.Lys417Asn)

Gene: FANCB (FA complementation group B; minus strand). Cytogenetic location: Xp22.2.
Variant type: single nucleotide variant.
Coding change: c.1251A>C on transcript NM_001018113.3 (MANE Select); coding-DNA position 1251, A replaced by C.
Protein change: p.Lys417Asn; replaces lysine 417 with asparagine.
Molecular consequence: missense variant.
Genome position (GRCh38, 1-based): chrX:14,853,114, T>G on the plus strand (A>C on the coding strand, the complement: FANCB is on the minus strand). VCF-style: chrX-14853114-T-G. GRCh37 (hg19) VCF-style: chrX-14871236-T-G.
Other names: c.1251A>C, p.Lys417Asn (NM_001324162.2, NM_152633.4); short protein forms K417N.
Identifiers: ClinVar variation 1488382 (VCV001488382.8), dbSNP rs1296333300, ClinGen allele CA412442524.

ClinVar aggregate classification (germline): Uncertain significance (1 of 4 stars; one submission).

Conditions:
Fanconi anemia (FA). Also called: Fanconi's anemia. Identifiers: Orphanet 84, MedGen C0015625, MeSH D005199, MONDO:0019391.

Allele frequency attached by ClinVar (database versions not stated): gnomAD exomes below 0.00001; TOPMed 0.00001; gnomAD 0.00002.
gnomAD v4.1: 8 of 1,203,265 alleles (0.00066%); highest among the groups gnomAD compares: Non-Finnish European, 0.00079%; no homozygotes.

Submission:

Labcorp Genetics (formerly Invitae), Labcorp
Classification: Uncertain significance for Fanconi anemia. Last evaluated: 2023-10-30. Review status: criteria provided, single submitter. Criteria: Invitae Variant Classification Sherloc (09022015). Collection method: clinical testing. Allele origin: germline.
Comment: This sequence change replaces lysine, which is basic and polar, with asparagine, which is neutral and polar, at codon 417 of the FANCB protein (p.Lys417Asn). This variant is not present in population databases (gnomAD no frequency). This variant has not been reported in the literature in individuals affected with FANCB-related conditions. ClinVar contains an entry for this variant (Variation ID: 1488382). Advanced modeling of protein sequence and biophysical properties (such as structural, functional, and spatial information, amino acid conservation, physicochemical variation, residue mobility, and thermodynamic stability) has been performed at Invitae for this missense variant, however the output from this modeling did not meet the statistical confidence thresholds required to predict the impact of this variant on FANCB protein function. In summary, the available evidence is currently insufficient to determine the role of this variant in disease. Therefore, it has been classified as a Variant of Uncertain Significance.